The following is an entry in ClinVar:

NM_001365276.2(TNXB):c.858G>C (p.Gln286His)

Gene: TNXB (tenascin XB; minus strand). Cytogenetic location: 6p21.33.
Variant type: single nucleotide variant.
Coding change: c.858G>C on transcript NM_001365276.2 (MANE Select); coding-DNA position 858, G replaced by C.
Protein change: p.Gln286His; replaces glutamine 286 with histidine.
Molecular consequence: missense variant.
Genome position (GRCh38, 1-based): chr6:32,096,995, C>G on the plus strand (G>C on the coding strand, the complement: TNXB is on the minus strand). VCF-style: chr6-32096995-C-G. GRCh37 (hg19) VCF-style: chr6-32064772-C-G.
Other names: c.858G>C, p.Gln286His (NM_001428335.1, NM_019105.8); short protein forms Q286H.
Identifiers: ClinVar variation 3971973 (VCV003971973.1).
Genomic context (GRCh38, chr6:32,096,995, plus strand): 5'-ACAGTCCTCGCCAGTGTAGCCGGGGTTACACACGCAGCGCCCATTCTCACAGCGCCCCCT[C>G]TGACTGCAACCGCGAGGGCAGCTCCTCATGCCACAGTCGTCACCAGTGTAGCCTGGGTCA-3'
Protein context (NP_001352205.1, residues 276-296): GMRSCPRGCS[Gln286His]RGRCENGRCV

ClinVar aggregate classification (germline): Uncertain significance (1 of 4 stars; one submission).

Conditions:
Cardiovascular phenotype. Identifiers: MedGen CN230736.

gnomAD v4.1: 1 of 1,613,004 alleles (0.000062%); highest among the groups gnomAD compares: Non-Finnish European, 0.000085%; no homozygotes.

Submission:

Ambry Genetics
Classification: Uncertain significance for Cardiovascular phenotype. Last evaluated: 2025-03-23. Review status: criteria provided, single submitter. Criteria: Ambry Variant Classification Scheme 2023. Collection method: clinical testing. Allele origin: germline.
Comment: The p.Q286H variant (also known as c.858G>C), located in coding exon 2 of the TNXB gene, results from a G to C substitution at nucleotide position 858. The glutamine at codon 286 is replaced by histidine, an amino acid with highly similar properties. This amino acid position is conserved. In addition, this alteration is predicted to be tolerated by in silico analysis. Based on the available evidence, the clinical significance of this variant remains unclear.